The following is an entry in ClinVar:

NM_000492.4(CFTR):c.670T>G (p.Phe224Val)

Gene: CFTR (CF transmembrane conductance regulator; plus strand). Cytogenetic location: 7q31.2.
Variant type: single nucleotide variant.
Coding change: c.670T>G on transcript NM_000492.4 (MANE Select); coding-DNA position 670, T replaced by G.
Protein change: p.Phe224Val; replaces phenylalanine 224 with valine.
Molecular consequence: missense variant.
Genome position (GRCh38, 1-based): chr7:117,535,338, T>G. VCF-style: chr7-117535338-T-G. GRCh37 (hg19) VCF-style: chr7-117175392-T-G.
Other names: short protein forms F224V.
Identifiers: ClinVar variation 1755048 (VCV001755048.2), dbSNP rs1798933675, ClinGen allele CA368977006.

ClinVar aggregate classification (germline): Uncertain significance (1 of 4 stars; one submission).

Conditions:
Cystic fibrosis (CF). Also called: MUCOVISCIDOSIS. Identifiers: Orphanet 586, MedGen C0010674, MONDO:0009061, OMIM 219700. Disease mechanism: loss of function.

Allele frequency attached by ClinVar (database versions not stated): gnomAD 0.00001; TOPMed below 0.00001.
gnomAD v4.1: 1 of 1,614,036 alleles (0.000062%); highest among the groups gnomAD compares: Non-Finnish European, 0.000085%; no homozygotes.

Submission:

Ambry Genetics
Classification: Uncertain significance for Cystic fibrosis. Last evaluated: 2024-03-14. Review status: criteria provided, single submitter. Criteria: Ambry Variant Classification Scheme 2023. Collection method: clinical testing. Allele origin: germline.
Comment: The p.F224V variant (also known as c.670T>G), located in coding exon 6 of the CFTR gene, results from a T to G substitution at nucleotide position 670. The phenylalanine at codon 224 is replaced by valine, an amino acid with highly similar properties. This amino acid position is highly conserved in available vertebrate species. In addition, this alteration is predicted to be deleterious by in silico analysis. Since supporting evidence is limited at this time, the clinical significance of this alteration remains unclear.